The following is an entry in ClinVar:

ClinVar aggregate classification (germline): Conflicting classifications of pathogenicity. Review status: criteria provided, conflicting classifications (1 of 4 stars). 3 submissions from 3 submitters: Likely pathogenic (2); Uncertain significance (1). Last evaluated 2025-11-22.

Conditions:
Cardiovascular phenotype. Identifiers: MedGen CN230736.
Dilated cardiomyopathy 1G (CMD1G). Identifiers: Orphanet 154, MedGen C1858763, MONDO:0011400, OMIM 604145.
Autosomal recessive limb-girdle muscular dystrophy type 2J (LGMDR10). Also called: MUSCULAR DYSTROPHY, LIMB-GIRDLE, AUTOSOMAL RECESSIVE 10; Limb-girdle muscular dystrophy, type 2J. Identifiers: Orphanet 140922, MedGen C1837342, MONDO:0012127, OMIM 608807.

Allele frequency attached by ClinVar (database versions not stated): TOPMed below 0.00001.

Submissions (3):

Labcorp Genetics (formerly Invitae), Labcorp
Classification: Likely pathogenic for Dilated cardiomyopathy 1G; Autosomal recessive limb-girdle muscular dystrophy type 2J. Last evaluated: 2025-11-22. Review status: criteria provided, single submitter. Criteria: Invitae Variant Classification Sherloc (09022015). Collection method: clinical testing. Allele origin: germline.
Comment: This sequence change creates a premature translational stop signal (p.Leu13503*) in the TTN gene. While this is not anticipated to result in nonsense mediated decay, it is expected to create a truncated TTN protein. This variant is not present in population databases (gnomAD no frequency). This variant has not been reported in the literature in individuals affected with TTN-related conditions. ClinVar contains an entry for this variant (Variation ID: 1476126). This variant is located in the I band of TTN (PMID: 25589632). Truncating variants in this region have been reported in individuals affected with autosomal recessive centronuclear myopathy (PMID: 23975875, internal data). Truncating variants in this region have also been identified in individuals affected with autosomal dominant dilated cardiomyopathy and/or cardio-related conditions (PMID: 27869827, 32964742, internal data). In summary, the currently available evidence indicates that the variant is pathogenic, but additional data are needed to prove that conclusively. Therefore, this variant has been classified as Likely Pathogenic.

Ambry Genetics
Classification: Likely pathogenic for Cardiovascular phenotype. Last evaluated: 2025-06-26. Review status: criteria provided, single submitter. Criteria: Ambry Variant Classification Scheme 2023. Collection method: clinical testing. Allele origin: germline.
Comment: The p.L4438* variant (also known as c.13313T>G), located in coding exon 46 of the TTN gene, results from a T to G substitution at nucleotide position 13313. This changes the amino acid from a leucine to a stop codon within coding exon 46. This exon is located in the I-band region of the N2-B isoform of the titin protein and is constitutively expressed in TTN transcripts (percent spliced in or PSI 100%). This variant is considered to be rare based on population cohorts in the Genome Aggregation Database (gnomAD). This alteration is expected to result in loss of function by premature protein truncation or nonsense-mediated mRNA decay. While truncating variants in TTN are present in 1-3% of the general population, truncating variants in the A-band are the most common cause of dilated cardiomyopathy (DCM) (Herman DS et al. N. Engl. J. Med., 2012 Feb;366:619-28; Roberts AM et al. Sci Transl Med, 2015 Jan;7:270ra6). TTN truncating variants encoded in constitutive exons (PSI >90%) have been found to be significantly associated with DCM regardless of their position in titin (Schafer S et al. Nat. Genet., 2017 01;49:46-53). As such, this alteration is classified as likely pathogenic.

Revvity Omics, Revvity
Classification: Uncertain significance. Last evaluated: 2021-08-23. Review status: criteria provided, single submitter. Criteria: ACMG Guidelines, 2015. Collection method: clinical testing. Allele origin: germline.

Literature cited by the submitters: PubMed 25589632 (cited by Labcorp Genetics (formerly Invitae), Labcorp); PubMed 23975875 (cited by Labcorp Genetics (formerly Invitae), Labcorp); PubMed 27869827 (cited by Labcorp Genetics (formerly Invitae), Labcorp); PubMed 32964742 (cited by Labcorp Genetics (formerly Invitae), Labcorp).

NM_001267550.2(TTN):c.40508T>G (p.Leu13503Ter)

Gene: TTN (titin; minus strand). Cytogenetic location: 2q31.2.
Variant type: single nucleotide variant.
Coding change: c.40508T>G on transcript NM_001267550.2 (MANE Select); coding-DNA position 40508, T replaced by G.
Protein change: p.Leu13503Ter; replaces leucine 13503 with a stop codon.
Molecular consequence: nonsense.
Genome position (GRCh38, 1-based): chr2:178,642,287, A>C on the plus strand (T>G on the coding strand, the complement: TTN is on the minus strand). VCF-style: chr2-178642287-A-C. GRCh37 (hg19) VCF-style: chr2-179507014-A-C.
Other names: c.35585T>G, p.Leu11862Ter (NM_001256850.1); c.13313T>G, p.Leu4438Ter (NM_003319.4); c.32804T>G, p.Leu10935Ter (NM_133378.4); c.13688T>G, p.Leu4563Ter (NM_133432.3); c.13889T>G, p.Leu4630Ter (NM_133437.4); short protein forms L11862*, L10935*, L13503*, L4438*, L4563*, L4630*.
Identifiers: ClinVar variation 1476126 (VCV001476126.14), dbSNP rs974323028, ClinGen allele CA61010406.